The following is an entry in ClinVar:

NM_022765.4(MICAL1):c.2875C>T (p.Gln959Ter)

Gene: MICAL1 (microtubule associated monooxygenase, calponin and LIM domain containing 1; minus strand). Cytogenetic location: 6q21.
Variant type: single nucleotide variant.
Coding change: c.2875C>T on transcript NM_022765.4 (MANE Select); coding-DNA position 2875, C replaced by T.
Protein change: p.Gln959Ter; replaces glutamine 959 with a stop codon.
Molecular consequence: nonsense.
Genome position (GRCh38, 1-based): chr6:109,445,203, G>A on the plus strand (C>T on the coding strand, the complement: MICAL1 is on the minus strand). VCF-style: chr6-109445203-G-A. GRCh37 (hg19) VCF-style: chr6-109766406-G-A.
Other names: c.2617C>T, p.Gln873Ter (NM_001159291.2); c.2932C>T, p.Gln978Ter (NM_001286613.2); short protein forms Q978*, Q873*, Q959*.
Identifiers: ClinVar variation 1948413 (VCV001948413.5), dbSNP rs1246943333, ClinGen allele CA365221389.

ClinVar aggregate classification (germline): Uncertain significance (1 of 4 stars; one submission).

Allele frequency attached by ClinVar (database versions not stated): TOPMed below 0.00001; gnomAD 0.00001; gnomAD exomes 0.00001.
gnomAD v4.1: 4 of 1,613,098 alleles (0.00025%); highest among the groups gnomAD compares: Admixed American, 0.0067%; no homozygotes.

Submission:

Labcorp Genetics (formerly Invitae), Labcorp
Classification: Uncertain significance. Last evaluated: 2022-03-18. Review status: criteria provided, single submitter. Criteria: Invitae Variant Classification Sherloc (09022015). Collection method: clinical testing. Allele origin: germline.
Comment: This sequence change creates a premature translational stop signal (p.Gln978*) in the MICAL1 gene. It is expected to result in an absent or disrupted protein product. However, the current clinical and genetic evidence is not sufficient to establish whether loss-of-function variants in MICAL1 cause disease. This variant is present in population databases (no rsID available, gnomAD 0.006%). This variant has not been reported in the literature in individuals affected with MICAL1-related conditions. In summary, the available evidence is currently insufficient to determine the role of this variant in disease. Therefore, it has been classified as a Variant of Uncertain Significance.